The following is an entry in ClinVar:

NM_004830.4(MED23):c.2176A>G (p.Asn726Asp)

Gene: MED23 (mediator complex subunit 23; minus strand). Cytogenetic location: 6q23.2.
Variant type: single nucleotide variant.
Coding change: c.2176A>G on transcript NM_004830.4 (MANE Select); coding-DNA position 2176, A replaced by G.
Protein change: p.Asn726Asp; replaces asparagine 726 with aspartic acid.
Molecular consequence: missense variant.
Genome position (GRCh38, 1-based): chr6:131,600,082, T>C on the plus strand (A>G on the coding strand, the complement: MED23 is on the minus strand). VCF-style: chr6-131600082-T-C. GRCh37 (hg19) VCF-style: chr6-131921222-T-C.
Other names: c.2176A>G, p.Asn726Asp (NM_001270521.2, NM_001270522.2, NM_001376519.1 and 3 more transcripts); c.2194A>G, p.Asn732Asp (NM_001376517.1, NM_015979.4); c.2122A>G, p.Asn708Asp (NM_001376518.1); c.2035A>G, p.Asn679Asp (NM_001376520.1); c.1921A>G, p.Asn641Asp (NM_001376523.1); short protein forms N641D, N679D, N708D, N726D, N732D.
Identifiers: ClinVar variation 1032715 (VCV001032715.1), dbSNP rs1775354988, ClinGen allele CA365670028.

ClinVar aggregate classification (germline): Uncertain significance (1 of 4 stars; one submission).

Conditions:
Intellectual developmental disorder, autosomal recessive 18, with or without epilepsy. Also called: Intellectual disability, autosomal recessive 18. Identifiers: Orphanet 88616, MedGen C3280265, MONDO:0013651, OMIM 614249.

Submission:

Baylor Genetics
Classification: Uncertain significance for Intellectual developmental disorder, autosomal recessive 18, with or without epilepsy. Last evaluated: 2018-01-02. Review status: criteria provided, single submitter. Criteria: ACMG Guidelines, 2015. Collection method: clinical testing. Allele origin: unknown. Affected: yes.
Comment: This variant was determined to be of uncertain significance according to ACMG Guidelines, 2015 [PMID:25741868].